The following is an entry in ClinVar:

ClinVar aggregate classification (germline): Uncertain significance (1 of 4 stars; one submission).

gnomAD v4.1: 1 of 1,613,180 alleles (0.000062%); highest among the groups gnomAD compares: South Asian, 0.0011%; no homozygotes.

Submission:

GeneDx
Classification: Uncertain significance. Last evaluated: 2025-07-09. Review status: criteria provided, single submitter. Criteria: GeneDx Variant Classification Process June 2021. Collection method: clinical testing. Allele origin: germline. Affected: yes.
Comment: Not observed at significant frequency in large population cohorts (gnomAD); In silico analysis supports that this missense variant has a deleterious effect on protein structure/function; Has not been previously published as pathogenic or benign to our knowledge

NM_017433.5(MYO3A):c.2135G>T (p.Ser712Ile)

Gene: MYO3A (myosin IIIA; plus strand). Cytogenetic location: 10p12.1.
Variant type: single nucleotide variant.
Coding change: c.2135G>T on transcript NM_017433.5 (MANE Select); coding-DNA position 2135, G replaced by T.
Protein change: p.Ser712Ile; replaces serine 712 with isoleucine.
Molecular consequence: missense variant.
Genome position (GRCh38, 1-based): chr10:26,128,411, G>T. VCF-style: chr10-26128411-G-T. GRCh37 (hg19) VCF-style: chr10-26417340-G-T.
Other names: short protein forms S712I.
Identifiers: ClinVar variation 4685198 (VCV004685198.1).